The following is an entry in ClinVar:

ClinVar aggregate classification (germline): Uncertain significance. Review status: criteria provided, multiple submitters, no conflicts (2 of 4 stars). 3 submissions from 3 submitters: Uncertain significance (3). Last evaluated 2025-09-28.

Conditions:
Desmin-related myofibrillar myopathy (MFM1). Also called: Desminopathy; Desmin related myopathy (former name); Desmin storage myopathy (former name); MYOFIBRILLAR MYOPATHY WITH ARRHYTHMOGENIC RIGHT VENTRICULAR CARDIOMYOPATHY; DESMIN-RELATED MYOPATHY WITH ARRHYTHMOGENIC RIGHT VENTRICULAR CARDIOMYOPATHY; Myofibrillar myopathy 1. Identifiers: Orphanet 363543, Orphanet 98909, MedGen C1832370, MONDO:0011076, OMIM 601419.
Cardiovascular phenotype. Identifiers: MedGen CN230736.

Allele frequency attached by ClinVar (database versions not stated): gnomAD exomes below 0.00001; ExAC 0.00002.
gnomAD v4.1: 5 of 1,614,196 alleles (0.00031%); highest among the groups gnomAD compares: South Asian, 0.0055%; no homozygotes.

Submissions (3):

Ambry Genetics
Classification: Uncertain significance for Cardiovascular phenotype. Last evaluated: 2025-09-28. Review status: criteria provided, single submitter. Criteria: Ambry Variant Classification Scheme 2023. Collection method: clinical testing. Allele origin: germline.

Labcorp Genetics (formerly Invitae), Labcorp
Classification: Uncertain significance for Desmin-related myofibrillar myopathy. Last evaluated: 2023-11-24. Review status: criteria provided, single submitter. Criteria: Invitae Variant Classification Sherloc (09022015). Collection method: clinical testing. Allele origin: germline.
Comment: This sequence change replaces lysine, which is basic and polar, with arginine, which is basic and polar, at codon 201 of the DES protein (p.Lys201Arg). This variant is present in population databases (rs760744645, gnomAD 0.01%). This variant has not been reported in the literature in individuals affected with DES-related conditions. ClinVar contains an entry for this variant (Variation ID: 1751162). Advanced modeling of protein sequence and biophysical properties (such as structural, functional, and spatial information, amino acid conservation, physicochemical variation, residue mobility, and thermodynamic stability) performed at Invitae indicates that this missense variant is not expected to disrupt DES protein function with a negative predictive value of 80%. In summary, the available evidence is currently insufficient to determine the role of this variant in disease. Therefore, it has been classified as a Variant of Uncertain Significance.

Athena Diagnostics
Classification: Uncertain significance. Last evaluated: 2022-01-26. Review status: criteria provided, single submitter. Criteria: Athena Diagnostics Criteria. Collection method: clinical testing. Allele origin: unknown.

NM_001927.4(DES):c.602A>G (p.Lys201Arg)

Gene: DES (desmin; plus strand). Cytogenetic location: 2q35.
Variant type: single nucleotide variant.
Coding change: c.602A>G on transcript NM_001927.4 (MANE Select); coding-DNA position 602, A replaced by G.
Protein change: p.Lys201Arg; replaces lysine 201 with arginine.
Molecular consequence: missense variant. On other transcripts: intron variant (1).
Genome position (GRCh38, 1-based): chr2:219,420,118, A>G. VCF-style: chr2-219420118-A-G. GRCh37 (hg19) VCF-style: chr2-220284840-A-G.
Other names: c.602A>G, p.Lys201Arg (NM_001382708.1, NM_001382709.1, NM_001382710.1 and 2 more transcripts); c.496-407A>G (NM_001382713.1); short protein forms K201R.
Identifiers: ClinVar variation 1751162 (VCV001751162.7), dbSNP rs760744645, ClinGen allele CA2125088.